The following is an entry in ClinVar:

NM_001042750.2(STAG2):c.1570A>G (p.Ile524Val)

Gene: STAG2 (STAG2 cohesin complex component; plus strand). Cytogenetic location: Xq25.
Variant type: single nucleotide variant.
Coding change: c.1570A>G on transcript NM_001042750.2 (MANE Select); coding-DNA position 1570, A replaced by G.
Protein change: p.Ile524Val; replaces isoleucine 524 with valine.
Molecular consequence: missense variant.
Genome position (GRCh38, 1-based): chrX:124,061,806, A>G. VCF-style: chrX-124061806-A-G. GRCh37 (hg19) VCF-style: chrX-123195656-A-G.
Other names: c.1570A>G, p.Ile524Val (NM_001042749.2, NM_001042751.2, NM_001282418.2 and 13 more transcripts); short protein forms I524V.
Identifiers: ClinVar variation 1212617 (VCV001212617.3), dbSNP rs144820719, ClinGen allele CA335279322.

ClinVar aggregate classification (germline): Uncertain significance (1 of 4 stars; one submission).

Allele frequency attached by ClinVar (database versions not stated): gnomAD exomes below 0.00001; TOPMed 0.00001; ESP Exome Variant Server 0.00009.

Submission:

GeneDx
Classification: Uncertain significance. Last evaluated: 2021-01-04. Review status: criteria provided, single submitter. Criteria: GeneDx Variant Classification Process June 2021. Collection method: clinical testing. Allele origin: germline. Affected: yes.
Comment: Not observed in large population cohorts (Lek et al., 2016); In silico analysis, which includes protein predictors and evolutionary conservation, supports that this variant does not alter protein structure/function; Has not been previously published as pathogenic or benign to our knowledge